The following is an entry in ClinVar:

ClinVar aggregate classification (germline): Uncertain significance. Review status: criteria provided, multiple submitters, no conflicts (2 of 4 stars). 2 submissions from 2 submitters: Uncertain significance (2). Last evaluated 2025-04-01.

Allele frequency attached by ClinVar (database versions not stated): gnomAD exomes 0.00001; TOPMed 0.00001; ExAC 0.00002.
gnomAD v4.1: 14 of 1,614,114 alleles (0.00087%); highest among the groups gnomAD compares: Middle Eastern, 0.066%; no homozygotes.

Submissions (2):

Mayo Clinic Laboratories, Mayo Clinic
Classification: Uncertain significance. Last evaluated: 2025-04-01. Review status: criteria provided, single submitter. Criteria: ACMG Guidelines, 2015. Collection method: clinical testing. Allele origin: germline. Observed: 1 variant allele.
Comment: BP4_moderate

Labcorp Genetics (formerly Invitae), Labcorp
Classification: Uncertain significance. Last evaluated: 2023-10-03. Review status: criteria provided, single submitter. Criteria: Invitae Variant Classification Sherloc (09022015). Collection method: clinical testing. Allele origin: germline.
Comment: This sequence change replaces serine, which is neutral and polar, with leucine, which is neutral and non-polar, at codon 421 of the NEFH protein (p.Ser421Leu). This variant is present in population databases (rs767466671, gnomAD 0.01%). This variant has not been reported in the literature in individuals affected with NEFH-related conditions. Advanced modeling of protein sequence and biophysical properties (such as structural, functional, and spatial information, amino acid conservation, physicochemical variation, residue mobility, and thermodynamic stability) performed at Invitae indicates that this missense variant is not expected to disrupt NEFH protein function. In summary, the available evidence is currently insufficient to determine the role of this variant in disease. Therefore, it has been classified as a Variant of Uncertain Significance.

NM_021076.4(NEFH):c.1262C>T (p.Ser421Leu)

Gene: NEFH (neurofilament heavy chain; plus strand). Cytogenetic location: 22q12.2.
Variant type: single nucleotide variant.
Coding change: c.1262C>T on transcript NM_021076.4 (MANE Select); coding-DNA position 1262, C replaced by T.
Protein change: p.Ser421Leu; replaces serine 421 with leucine.
Molecular consequence: missense variant.
Genome position (GRCh38, 1-based): chr22:29,488,902, C>T. VCF-style: chr22-29488902-C-T. GRCh37 (hg19) VCF-style: chr22-29884891-C-T.
Other names: p.Ser421Leu; short protein forms S421L.
Identifiers: ClinVar variation 2999991 (VCV002999991.4), dbSNP rs767466671, ClinGen allele CA10174178.